The following is an entry in ClinVar:

NM_001358235.2(DCHS2):c.2608A>G (p.Thr870Ala)

Gene: DCHS2 (dachsous cadherin-related 2; minus strand). Cytogenetic location: 4q31.3.
Variant type: single nucleotide variant.
Coding change: c.2608A>G on transcript NM_001358235.2 (MANE Select); coding-DNA position 2608, A replaced by G.
Protein change: p.Thr870Ala; replaces threonine 870 with alanine.
Molecular consequence: missense variant.
Genome position (GRCh38, 1-based): chr4:154,334,973, T>C on the plus strand (A>G on the coding strand, the complement: DCHS2 is on the minus strand). VCF-style: chr4-154334973-T-C. GRCh37 (hg19) VCF-style: chr4-155256125-T-C.
Other names: c.2608A>G, p.Thr870Ala (NM_001142552.2, NM_001412223.1); short protein forms T870A.
Identifiers: ClinVar variation 3046853 (VCV003046853.2), dbSNP rs139016725, ClinGen allele CA3113403.

ClinVar aggregate classification (germline): Likely benign (0 of 4 stars; one submission).

Conditions:
DCHS2-related disorder. Also called: DCHS2-related condition.

Allele frequency attached by ClinVar (database versions not stated): gnomAD 0.00095; TOPMed 0.00110; ESP Exome Variant Server 0.00138; 1000 Genomes Project 0.00140; 1000 Genomes Project 30x 0.00172.
gnomAD v4.1: 287 of 1,614,054 alleles (0.018%); highest among the groups gnomAD compares: African/African-American, 0.33%; 1 homozygote.

Submission:

PreventionGenetics, part of Exact Sciences
Classification: Likely benign for DCHS2-related condition. Last evaluated: 2023-04-24. Review status: no assertion criteria provided. Collection method: clinical testing. Allele origin: germline.
Comment: This variant is classified as likely benign based on ACMG/AMP sequence variant interpretation guidelines (Richards et al. 2015 PMID: 25741868, with internal and published modifications).